The following is an entry in ClinVar:

NM_032242.4(PLXNA1):c.1868G>A (p.Arg623Gln)

Gene: PLXNA1 (plexin A1; plus strand). Cytogenetic location: 3q21.3.
Variant type: single nucleotide variant.
Coding change: c.1868G>A on transcript NM_032242.4 (MANE Select); coding-DNA position 1868, G replaced by A.
Protein change: p.Arg623Gln; replaces arginine 623 with glutamine.
Molecular consequence: missense variant.
Genome position (GRCh38, 1-based): chr3:127,005,214, G>A. VCF-style: chr3-127005214-G-A. GRCh37 (hg19) VCF-style: chr3-126724057-G-A.
Other names: short protein forms R623Q.
Identifiers: ClinVar variation 4980133 (VCV004980133.1).

ClinVar aggregate classification (germline): Uncertain significance (1 of 4 stars; one submission).

Conditions:
PLXNA1-related disorder. Also called: PLXNA1-related condition.

Submission:

PreventionGenetics, part of Exact Sciences
Classification: Uncertain significance for PLXNA1-related condition. Last evaluated: 2026-09-02. Review status: criteria provided, single submitter. Criteria: ACMG Guidelines, 2015. Collection method: clinical testing. Allele origin: germline.
Comment: The PLXNA1 c.1868G>A variant is predicted to result in the amino acid substitution p.Arg623Gln. To our knowledge, this variant has not been reported in the literature. This variant is reported in 0.0057% of alleles in individuals of Latino descent in gnomAD. At this time, the clinical significance of this variant is uncertain due to the absence of conclusive functional and genetic evidence.